The following is an entry in ClinVar:

ClinVar aggregate classification (germline): Uncertain significance (1 of 4 stars; one submission).

Submission:

Women's Health and Genetics/Laboratory Corporation of America, LabCorp
Classification: Uncertain significance. Last evaluated: 2025-05-26. Review status: criteria provided, single submitter. Criteria: LabCorp Variant Classification Summary - May 2015. Collection method: clinical testing. Allele origin: germline.
Comment: Variant summary: ASXL2 c.2893G>A (p.Glu965Lys) results in a conservative amino acid change in the encoded protein sequence. Algorithms developed to predict the effect of missense changes on protein structure and function are either unavailable or do not agree on the potential impact of this missense change. The variant was absent in 246766 control chromosomes. The available data on variant occurrences in the general population are insufficient to allow any conclusion about variant significance. To our knowledge, no occurrence of c.2893G>A in individuals affected with Shashi-Pena Syndrome and no experimental evidence demonstrating its impact on protein function have been reported. No submitters have cited clinical-significance assessments for this variant to ClinVar. Based on the evidence outlined above, the variant was classified as uncertain significance.

NM_018263.6(ASXL2):c.2893G>A (p.Glu965Lys)

Gene: ASXL2 (ASXL transcriptional regulator 2; minus strand). Cytogenetic location: 2p23.3.
Variant type: single nucleotide variant.
Coding change: c.2893G>A on transcript NM_018263.6 (MANE Select); coding-DNA position 2893, G replaced by A.
Protein change: p.Glu965Lys; replaces glutamic acid 965 with lysine.
Molecular consequence: missense variant.
Genome position (GRCh38, 1-based): chr2:25,743,444, C>T on the plus strand (G>A on the coding strand, the complement: ASXL2 is on the minus strand). VCF-style: chr2-25743444-C-T. GRCh37 (hg19) VCF-style: chr2-25966313-C-T.
Other names: c.2719G>A, p.Glu907Lys (NM_001369346.1); c.2113G>A, p.Glu705Lys (NM_001369347.1); short protein forms E705K, E907K, E965K.
Identifiers: ClinVar variation 3902708 (VCV003902708.1).